The following is an entry in ClinVar:

NM_001267550.2(TTN):c.66544T>G (p.Tyr22182Asp)

Genes: TTN (titin; minus strand), TTN-AS1 (TTN antisense RNA 1; plus strand). Cytogenetic location: 2q31.2.
Variant type: single nucleotide variant.
Coding change: c.66544T>G on transcript NM_001267550.2 (MANE Select); coding-DNA position 66544, T replaced by G.
Protein change: p.Tyr22182Asp; replaces tyrosine 22182 with aspartic acid.
Molecular consequence: missense variant.
Genome position (GRCh38, 1-based): chr2:178,581,724, A>C on the plus strand (T>G on the coding strand, the complement: TTN is on the minus strand). VCF-style: chr2-178581724-A-C. GRCh37 (hg19) VCF-style: chr2-179446451-A-C.
Other names: c.61621T>G, p.Tyr20541Asp (NM_001256850.1); c.39349T>G, p.Tyr13117Asp (NM_003319.4); c.58840T>G, p.Tyr19614Asp (NM_133378.4); c.39724T>G, p.Tyr13242Asp (NM_133432.3); c.39925T>G, p.Tyr13309Asp (NM_133437.4); c.66544T>G (NM_001267550.1); short protein forms Y22182D, Y13117D, Y13242D, Y13309D, Y20541D, Y19614D.
Identifiers: ClinVar variation 238828 (VCV000238828.6), dbSNP rs878854327, ClinGen allele CA10581851.

ClinVar aggregate classification (germline): Uncertain significance. Review status: criteria provided, multiple submitters, no conflicts (2 of 4 stars). 4 submissions from 4 submitters: Uncertain significance (4). Last evaluated 2026-04-23.

Conditions:
TTN-related disorder. Also called: TTN-related condition; TTN-related disease; TTN-related disorders.
Autosomal recessive limb-girdle muscular dystrophy type 2J (LGMDR10). Also called: MUSCULAR DYSTROPHY, LIMB-GIRDLE, AUTOSOMAL RECESSIVE 10; Limb-girdle muscular dystrophy, type 2J. Identifiers: Orphanet 140922, MedGen C1837342, MONDO:0012127, OMIM 608807.
Dilated cardiomyopathy 1G (CMD1G). Identifiers: Orphanet 154, MedGen C1858763, MONDO:0011400, OMIM 604145.

Allele frequency attached by ClinVar (database versions not stated): gnomAD exomes below 0.00001; gnomAD 0.00002; TOPMed 0.00003.
gnomAD v4.1: 5 of 1,610,080 alleles (0.00031%); highest among the groups gnomAD compares: African/African-American, 0.0067%; no homozygotes.

Submissions (4):

PreventionGenetics, part of Exact Sciences
Classification: Uncertain significance for TTN-related condition. Last evaluated: 2026-04-23. Review status: criteria provided, single submitter. Criteria: ACMG Guidelines, 2015. Collection method: clinical testing. Allele origin: germline.
Comment: The TTN c.66544T>G variant is predicted to result in the amino acid substitution p.Tyr22182Asp. To our knowledge, this variant has not been reported in the literature. This variant is reported in 0.011% of alleles in individuals of African descent in gnomAD. At this time, the clinical significance of this variant is uncertain due to the absence of conclusive functional and genetic evidence.

GeneDx
Classification: Uncertain significance. Last evaluated: 2025-07-18. Review status: criteria provided, single submitter. Criteria: GeneDx Variant Classification Process June 2021. Collection method: clinical testing. Allele origin: germline. Affected: yes.
Comment: Not observed at significant frequency in large population cohorts (gnomAD); Missense variant in a gene in which most reported pathogenic variants are truncating/loss of function; Has not been previously published as pathogenic or benign to our knowledge

Athena Diagnostics
Classification: Uncertain significance. Last evaluated: 2024-10-31. Review status: criteria provided, single submitter. Criteria: Athena Diagnostics Criteria. Collection method: clinical testing. Allele origin: unknown.
Comment: Available data are insufficient to determine the clinical significance of the variant at this time. The frequency of this variant in the general population is uninformative in assessment of its pathogenicity. Polyphen and MutationTaster yielded discordant predictions regarding whether this amino acid change is damaging to the protein.

Labcorp Genetics (formerly Invitae), Labcorp
Classification: Uncertain significance for Dilated cardiomyopathy 1G; Autosomal recessive limb-girdle muscular dystrophy type 2J. Last evaluated: 2015-11-25. Review status: criteria provided, single submitter. Criteria: Invitae Variant Classification Sherloc (09022015). Collection method: clinical testing. Allele origin: germline.